The following is an entry in ClinVar:

NM_004360.5(CDH1):c.1712-37T>G

Gene: CDH1 (cadherin 1; plus strand). Cytogenetic location: 16q22.1.
Variant type: single nucleotide variant.
Coding change: c.1712-37T>G on transcript NM_004360.5 (MANE Select); 37 bases into the intron before coding-DNA position 1712, T replaced by G.
Molecular consequence: intron variant.
Genome position (GRCh38, 1-based): chr16:68,821,964, T>G. VCF-style: chr16-68821964-T-G. GRCh37 (hg19) VCF-style: chr16-68855867-T-G.
Other names: c.164-37T>G (NM_001317185.2); c.-254-37T>G (NM_001317186.2); c.1529-37T>G (NM_001317184.2); c.1712-37T>G (NM_004360.4).
Identifiers: ClinVar variation 1241063 (VCV001241063.5), dbSNP rs35831514, ClinGen allele CA8130138.

ClinVar aggregate classification (germline): Benign/Likely benign. Review status: criteria provided, multiple submitters, no conflicts (2 of 4 stars). 3 submissions from 3 submitters: Benign (2); Likely benign (1). Last evaluated 2025-03-04.

Conditions:
Hereditary diffuse gastric adenocarcinoma (HDGC). Also called: DIFFUSE GASTRIC AND LOBULAR BREAST CANCER SYNDROME. Identifiers: Orphanet 26106, MedGen C1708349, MONDO:0007648, OMIM 137215.

Allele frequency attached by ClinVar (database versions not stated): 1000 Genomes Project 0.00399; 1000 Genomes Project 30x 0.00406; gnomAD 0.00470 and 0.00513; TOPMed 0.00524; ESP Exome Variant Server 0.00639; gnomAD exomes 0.00044 and 0.00133; ExAC 0.00166.
gnomAD v4.1: 1,340 of 1,541,198 alleles (0.087%); highest among the groups gnomAD compares: African/African-American, 1.7%; 10 homozygotes.

Submissions (3):

Center for Genomic Medicine, Rigshospitalet, Copenhagen University Hospital
Classification: Benign. Last evaluated: 2025-03-04. Review status: criteria provided, single submitter. Criteria: ACMG Guidelines, 2015. Collection method: clinical testing. Allele origin: germline.

European Reference Network on Genetic Tumour Risk Syndromes (ERN-GENTURIS), i3s - Instituto de Investigação e Inovação em Saúde, University of Porto
Classification: Likely benign for Hereditary diffuse gastric adenocarcinoma. Last evaluated: 2022-08-01. Review status: criteria provided, single submitter. Criteria: Lee et al. (Hum Mutat. 2018). Collection method: clinical testing. Allele origin: germline. Inheritance: Autosomal dominant inheritance. Affected: no. Study: ERN GENTURIS.
Comment: BS1; BS2_Supporting; PM2 (PMID: 30311375)

GeneDx
Classification: Benign. Last evaluated: 2015-03-03. Review status: criteria provided, single submitter. Criteria: GeneDx Variant Classification Process June 2021. Collection method: clinical testing. Allele origin: germline. Affected: yes.

Literature cited by the submitters: PubMed 36436516 (cited by European Reference Network on Genetic Tumour Risk Syndromes (ERN-GENTURIS), i3s - Instituto de Investigação e Inovação em Saúde, University of Porto).